The following is an entry in ClinVar:

NM_004463.3(FGD1):c.1564dup (p.Arg522fs)

Gene: FGD1 (FYVE, RhoGEF and PH domain containing 1; minus strand). Cytogenetic location: Xp11.22.
Variant type: Duplication.
Coding change: c.1564dup on transcript NM_004463.3 (MANE Select); coding-DNA position 1564, one base duplicated (C; older notation c.1564dupC).
Protein change: p.Arg522fs; shifts the reading frame from arginine 522.
Molecular consequence: frameshift variant.
Genome position (GRCh38, 1-based): chrX:54,465,523, G duplicated on the plus strand (C on the coding strand, the reverse complement: FGD1 is on the minus strand); the first of 5 consecutive G bases (chrX:54,465,523-54,465,527); duplicating any one gives the same sequence. VCF-style (leftmost placement, unchanged base first): chrX-54465522-C-CG. GRCh37 (hg19) VCF-style: chrX-54491955-C-CG.
Other names: short protein forms R522fs.
Identifiers: ClinVar variation 3254768 (VCV003254768.1), dbSNP rs2522709066.

ClinVar aggregate classification (germline): Pathogenic (1 of 4 stars; one submission).

Conditions:
Aarskog syndrome (AAS). Also called: Aarskog Scott syndrome; Aarskog disease; Aarskog-Scott syndrome, X-linked; FGDY; FGD1-Related Faciogenital Dysplasia (Aarskog-Scott Syndrome). Identifiers: Orphanet 915, MedGen C0175701, MONDO:0010589, OMIM 305400.

Submission:

Victorian Clinical Genetics Services, Murdoch Childrens Research Institute
Classification: Pathogenic for Aarskog syndrome. Last evaluated: 2023-07-17. Review status: criteria provided, single submitter. Criteria: ACMG Guidelines, 2015. Collection method: clinical testing. Allele origin: germline. Inheritance: X-linked recessive inheritance. Affected: yes.
Comment: Based on the classification scheme VCGS_Germline_v1.3.4, this variant is classified as Pathogenic. Following criteria are met: 0102 - Loss of function is a known mechanism of disease in this gene and is associated with Aarskog-Scott syndrome and intellectual developmental disorder, X-linked syndromic 16 (MIM#305400). (I) 0109 - This gene is associated with X-linked recessive disease. (I) 0201 - Variant is predicted to cause nonsense-mediated decay (NMD) and loss of protein (premature termination codon is located at least 54 nucleotides upstream of the final exon-exon junction). (SP) 0253 - This variant is hemizygous. (I) 0301 - Variant is absent from gnomAD (both v2 and v3). (SP) 0701 - Other variants predicted to cause NMD comparable to the one identified in this case have very strong previous evidence for pathogenicity (DECIPHER). (SP) 0807 - This variant has no previous evidence of pathogenicity. (I) 0905 - No published segregation evidence has been identified for this variant. (I) 1007 - No published functional evidence has been identified for this variant. (I) Legend: (SP) - Supporting pathogenic, (I) - Information, (SB) - Supporting benign